The following is an entry in ClinVar:

NM_020338.4(ZMIZ1):c.1308C>G (p.Pro436=)

Gene: ZMIZ1 (zinc finger MIZ-type containing 1; plus strand). Cytogenetic location: 10q22.3.
Variant type: single nucleotide variant.
Coding change: c.1308C>G on transcript NM_020338.4 (MANE Select); coding-DNA position 1308, C replaced by G.
Protein change: p.Pro436=; no amino-acid change (proline 436 retained).
Molecular consequence: synonymous variant.
Genome position (GRCh38, 1-based): chr10:79,296,548, C>G. VCF-style: chr10-79296548-C-G. GRCh37 (hg19) VCF-style: chr10-81056305-C-G.
Identifiers: ClinVar variation 4822558 (VCV004822558.4).

ClinVar aggregate classification (germline): Likely benign (1 of 4 stars; one submission).

gnomAD v4.1: 1 of 1,613,580 alleles (0.000062%); highest among the groups gnomAD compares: South Asian, 0.0011%; no homozygotes.

Submission:

CeGaT Center for Human Genetics Tuebingen
Classification: Likely benign. Last evaluated: 2026-02-01. Review status: criteria provided, single submitter. Criteria: CeGaT Center For Human Genetics Tuebingen Variant Classification Criteria Version 2. Collection method: clinical testing. Allele origin: germline. Affected: yes. Observed: 1 variant allele.
Comment: ZMIZ1: BP4, BP7